The following is an entry in ClinVar:

ClinVar aggregate classification (germline): Uncertain significance (1 of 4 stars; one submission).

Conditions:
Fanconi anemia (FA). Also called: Fanconi's anemia. Identifiers: Orphanet 84, MedGen C0015625, MeSH D005199, MONDO:0019391.

Submission:

Labcorp Genetics (formerly Invitae), Labcorp
Classification: Uncertain significance for Fanconi anemia. Last evaluated: 2024-10-08. Review status: criteria provided, single submitter. Criteria: Invitae Variant Classification Sherloc (09022015). Collection method: clinical testing. Allele origin: germline.
Comment: This sequence change replaces serine, which is neutral and polar, with alanine, which is neutral and non-polar, at codon 1143 of the SLX4 protein (p.Ser1143Ala). This variant is not present in population databases (gnomAD no frequency). This variant has not been reported in the literature in individuals affected with SLX4-related conditions. ClinVar contains an entry for this variant (Variation ID: 580188). An algorithm developed to predict the effect of missense changes on protein structure and function (PolyPhen-2) suggests that this variant is likely to be tolerated. In summary, the available evidence is currently insufficient to determine the role of this variant in disease. Therefore, it has been classified as a Variant of Uncertain Significance.

NM_032444.4(SLX4):c.3427T>G (p.Ser1143Ala)

Gene: SLX4 (SLX4 structure-specific endonuclease subunit; minus strand). Cytogenetic location: 16p13.3.
Variant type: single nucleotide variant.
Coding change: c.3427T>G on transcript NM_032444.4 (MANE Select); coding-DNA position 3427, T replaced by G.
Protein change: p.Ser1143Ala; replaces serine 1143 with alanine.
Molecular consequence: missense variant.
Genome position (GRCh38, 1-based): chr16:3,590,211, A>C on the plus strand (T>G on the coding strand, the complement: SLX4 is on the minus strand). VCF-style: chr16-3590211-A-C. GRCh37 (hg19) VCF-style: chr16-3640212-A-C.
Other names: c.3427T>G (LRG_503t1); short protein forms S1143A.
Identifiers: ClinVar variation 580188 (VCV000580188.8), dbSNP rs1567170136, ClinGen allele CA394520158.